The following is an entry in ClinVar:

ClinVar aggregate classification (germline): Uncertain significance (1 of 4 stars; one submission).

Conditions:
Mucopolysaccharidosis, MPS-IV-A (MPS4A). Also called: Mucopolysaccharidosis type IV A; Mucopolysaccharidosis Type IVA; Morquio syndrome A, mild; MORQUIO SYNDROME A; MPS IVA; mucopolysaccharidosis type 4A. Identifiers: Orphanet 309297, Orphanet 582, MedGen C0086651, MONDO:0009659, OMIM 253000.

Allele frequency attached by ClinVar (database versions not stated): gnomAD exomes below 0.00001.
gnomAD v4.1: 1 of 1,612,582 alleles (0.000062%); highest among the groups gnomAD compares: Non-Finnish European, 0.000085%; no homozygotes.

Submission:

Laboratory of Diagnosis and Therapy of Lysosomal Disorders, University of Padova
Classification: Uncertain significance for Mucopolysaccharidosis, MPS-IV-A. Last evaluated: 2021-02-01. Review status: criteria provided, single submitter. Criteria: ACMG Guidelines, 2015. Collection method: curation. Allele origin: germline. Affected: yes.
Comment: In vivo functional studies supportive of a damaging effect on the gene product (low to null enzymatic activity in homozygotes; PS3_supporting); absent from gnomAD v2.1.1 (PM2_moderate); multiple lines of computational evidence support a deleterious effect on the gene (PP3_supporting)

Literature cited by the submitters: PubMed 25252036; PubMed 34387910.

NM_000512.5(GALNS):c.1349A>G (p.Glu450Gly)

Gene: GALNS (galactosamine (N-acetyl)-6-sulfatase; minus strand). Cytogenetic location: 16q24.3.
Variant type: single nucleotide variant.
Coding change: c.1349A>G on transcript NM_000512.5 (MANE Select); coding-DNA position 1349, A replaced by G.
Protein change: p.Glu450Gly; replaces glutamic acid 450 with glycine.
Molecular consequence: missense variant.
Genome position (GRCh38, 1-based): chr16:88,822,604, T>C on the plus strand (A>G on the coding strand, the complement: GALNS is on the minus strand). VCF-style: chr16-88822604-T-C. GRCh37 (hg19) VCF-style: chr16-88889012-T-C.
Other names: c.794A>G, p.Glu265Gly (NM_001323543.2); c.1367A>G, p.Glu456Gly (NM_001323544.2); short protein forms E265G, E450G, E456G.
Identifiers: ClinVar variation 1048505 (VCV001048505.3), dbSNP rs2142992313, ClinGen allele CA397095948.